The following is an entry in ClinVar:

ClinVar aggregate classification (germline): Likely benign. Review status: criteria provided, multiple submitters, no conflicts (2 of 4 stars). 3 submissions from 3 submitters: Likely benign (3). Last evaluated 2026-01-19.

Conditions:
Developmental and epileptic encephalopathy, 1 (DEE1). Also called: Epileptic encephalopathy, early infantile, 1; X-linked infantile spasms; West's syndrome; Tonic spasms with clustering, arrest of psychomotor development and hypsarrhythmia on EEG; X-Linked Infantile Spasm Syndrome; OHTAHARA SYNDROME, X-LINKED. Identifiers: MedGen C3463992, MONDO:0010632, OMIM 308350. Disease mechanism: loss of function.
Autosomal dominant nonsyndromic hearing loss 65. Also called: TBC1D24-Related Autosomal Dominant Nonsyndromic Hearing Loss (DFNA); Deafness, autosomal dominant 65. Identifiers: Orphanet 90635, MedGen C3892048, MONDO:0014470, OMIM 616044.

Allele frequency attached by ClinVar (database versions not stated): gnomAD 0.00001; gnomAD exomes 0.00002; ExAC 0.00003.
gnomAD v4.1: 21 of 1,606,610 alleles (0.0013%); highest among the groups gnomAD compares: South Asian, 0.018%; no homozygotes.

Submissions (3):

Labcorp Genetics (formerly Invitae), Labcorp
Classification: Likely benign for Developmental and epileptic encephalopathy, 1; Autosomal dominant nonsyndromic hearing loss 65. Last evaluated: 2026-01-19. Review status: criteria provided, single submitter. Criteria: Invitae Variant Classification Sherloc (09022015). Collection method: clinical testing. Allele origin: germline.

Women's Health and Genetics/Laboratory Corporation of America, LabCorp
Classification: Likely benign. Last evaluated: 2024-03-07. Review status: criteria provided, single submitter. Criteria: LabCorp Variant Classification Summary - May 2015. Collection method: clinical testing. Allele origin: germline.

Laboratory for Molecular Medicine, Mass General Brigham Personalized Medicine
Classification: Likely benign. Last evaluated: 2015-05-28. Review status: criteria provided, single submitter. Criteria: LMM Criteria. Collection method: clinical testing. Allele origin: germline. Observed: 1 variant allele.
Comment: p.Ala515Ala in exon 8 of TBC1D24: This variant is not expected to have clinical significance because it does not alter an amino acid residue and is not located within the splice consensus sequence. It has been identified in 3/104671 chromos omes by the Exome Aggregation Consortium (ExAC).

NM_001199107.2(TBC1D24):c.1545G>A (p.Ala515=)

Gene: TBC1D24 (TBC1 domain family member 24; plus strand). Cytogenetic location: 16p13.3.
Variant type: single nucleotide variant.
Coding change: c.1545G>A on transcript NM_001199107.2 (MANE Select); coding-DNA position 1545, G replaced by A.
Protein change: p.Ala515=; no amino-acid change (alanine 515 retained).
Molecular consequence: synonymous variant.
Genome position (GRCh38, 1-based): chr16:2,500,823, G>A. VCF-style: chr16-2500823-G-A. GRCh37 (hg19) VCF-style: chr16-2550824-G-A.
Other names: c.1527G>A, p.Ala509= (NM_020705.3).
Identifiers: ClinVar variation 227979 (VCV000227979.10), dbSNP rs747350771, ClinGen allele CA7844342.